The following is an entry in ClinVar:

ClinVar aggregate classification (germline): Uncertain significance (1 of 4 stars; one submission).

Conditions:
Schimke immuno-osseous dysplasia (SIOD). Also called: Schimke Immunoosseous Dysplasia. Identifiers: Orphanet 1830, MedGen C0877024, MONDO:0009458, OMIM 242900.

Submission:

Labcorp Genetics (formerly Invitae), Labcorp
Classification: Uncertain significance for Schimke immuno-osseous dysplasia. Last evaluated: 2021-08-30. Review status: criteria provided, single submitter. Criteria: Invitae Variant Classification Sherloc (09022015). Collection method: clinical testing. Allele origin: germline.
Comment: This sequence change replaces isoleucine with valine at codon 122 of the SMARCAL1 protein (p.Ile122Val). The isoleucine residue is weakly conserved and there is a small physicochemical difference between isoleucine and valine. This variant is not present in population databases (ExAC no frequency). This variant has not been reported in the literature in individuals affected with SMARCAL1-related conditions. Algorithms developed to predict the effect of missense changes on protein structure and function output the following: SIFT: "Tolerated"; PolyPhen-2: "Benign"; Align-GVGD: "Class C0". The valine amino acid residue is found in multiple mammalian species, which suggests that this missense change does not adversely affect protein function. In summary, the available evidence is currently insufficient to determine the role of this variant in disease. Therefore, it has been classified as a Variant of Uncertain Significance.

NM_014140.4(SMARCAL1):c.364A>G (p.Ile122Val)

Gene: SMARCAL1 (SNF2 related chromatin remodeling annealing helicase 1; plus strand). Cytogenetic location: 2q35.
Variant type: single nucleotide variant.
Coding change: c.364A>G on transcript NM_014140.4 (MANE Select); coding-DNA position 364, A replaced by G.
Protein change: p.Ile122Val; replaces isoleucine 122 with valine.
Molecular consequence: missense variant.
Genome position (GRCh38, 1-based): chr2:216,415,068, A>G. VCF-style: chr2-216415068-A-G. GRCh37 (hg19) VCF-style: chr2-217279791-A-G.
Other names: c.364A>G, p.Ile122Val (NM_001127207.2); short protein forms I122V.
Identifiers: ClinVar variation 935546 (VCV000935546.7), dbSNP rs1693557419, ClinGen allele CA350497138.
Genomic context (GRCh38, chr2:216,415,068, plus strand): 5'-GAAGAAATGCCCACAGCCTGCCCAGGCCACAGTCCACGTAGTCAAATGGCTCTCACTGGA[A>G]TCTCTCCTCCCTTGGCACAAAGTCCTCCAGAGGTCCCTAAACAACAGCTCTTGAGTTATG-3'
Protein context (NP_054859.2, residues 112-132): SPRSQMALTG[Ile122Val]SPPLAQSPPE